The following is an entry in ClinVar:

ClinVar aggregate classification (germline): Uncertain significance (1 of 4 stars; one submission).

Submission:

GeneDx
Classification: Uncertain significance. Last evaluated: 2025-05-08. Review status: criteria provided, single submitter. Criteria: GeneDx Variant Classification Process June 2021. Collection method: clinical testing. Allele origin: germline. Affected: yes.
Comment: Identified in the heterozygous state in a patient with megalencephalic leukoencephalopathy in the published literature, however, clinical history, testing methodology, and familial segregation information were not provided (PMID: 23079554); Functional studies suggest a damaging effect on protein localization, however, additional studies are needed to confirm this impact (PMID: 31960914); Not observed at significant frequency in large population cohorts (gnomAD); In silico analysis suggests that this missense variant does not alter protein structure/function; This variant is associated with the following publications: (PMID: 38487253, 23079554, 31960914)

NM_152722.5(HEPACAM):c.176G>A (p.Ser59Asn)

Gene: HEPACAM (hepatic and glial cell adhesion molecule; minus strand). Cytogenetic location: 11q24.2.
Variant type: single nucleotide variant.
Coding change: c.176G>A on transcript NM_152722.5 (MANE Select); coding-DNA position 176, G replaced by A.
Protein change: p.Ser59Asn; replaces serine 59 with asparagine.
Molecular consequence: missense variant.
Genome position (GRCh38, 1-based): chr11:124,924,979, C>T on the plus strand (G>A on the coding strand, the complement: HEPACAM is on the minus strand). VCF-style: chr11-124924979-C-T. GRCh37 (hg19) VCF-style: chr11-124794875-C-T.
Other names: c.176G>A, p.Ser59Asn (NM_001411043.1, NM_001441320.1); short protein forms S59N.
Identifiers: ClinVar variation 4528269 (VCV004528269.1).